The following is an entry in ClinVar:

ClinVar aggregate classification (germline): Pathogenic (1 of 4 stars; one submission).

Conditions:
Mandibulofacial dysostosis-microcephaly syndrome (MFDGA). Also called: Growth and mental retardation, mandibulofacial dysostosis, microcephaly, and cleft palate; Mandibulofacial dysostosis, Guion-Almeida type. Identifiers: Orphanet 79113, MedGen C1864652, MONDO:0012516, OMIM 610536.

Submission:

Groupe Hospitalier Pitie Salpetriere, Uf Genomique Du Developpement, Assistance Publique Hopitaux de Paris Sorbonne Université
Classification: Pathogenic for Mandibulofacial dysostosis, Guion-Almeida type. Last evaluated: 2017-01-06. Review status: criteria provided, single submitter. Criteria: ACMG Guidelines, 2015. Collection method: clinical testing. Allele origin: maternal. Affected: yes. Observed: 1 variant allele.
Comment: Intellectual disability, mild; postnatal microcephaly; 2-3 syndactyly; dysmorphism

Literature cited by the submitters: PubMed 28708303.

NM_004247.4(EFTUD2):c.1775_1779del (p.Val592fs)

Gene: EFTUD2 (elongation factor Tu GTP binding domain containing 2; minus strand). Cytogenetic location: 17q21.31.
Variant type: Deletion.
Coding change: c.1775_1779del on transcript NM_004247.4 (MANE Select); coding-DNA positions 1775 to 1779, 5 bases deleted (TGGAG; older notation c.1775_1779delTGGAG).
Protein change: p.Val592fs; shifts the reading frame from valine 592.
Molecular consequence: frameshift variant.
Genome position (GRCh38, 1-based): chr17:44,859,986-44,859,990, CTCCA deleted on the plus strand (TGGAG on the coding strand, the reverse complement: EFTUD2 is on the minus strand); deleting any 5 consecutive bases within chr17:44,859,986-44,859,991 gives the same sequence; the c. name uses the placement nearest the transcript's 3' end. VCF-style (leftmost placement, unchanged base first): chr17-44859985-GCTCCA-G. GRCh37 (hg19) VCF-style: chr17-42937353-GCTCCA-G.
Other names: c.1670_1674del, p.Val557fs (NM_001142605.2); c.1775_1779del, p.Val592fs (NM_001258353.2); c.1745_1749del, p.Val582fs (NM_001258354.2); short protein forms V557fs, V582fs, V592fs.
Identifiers: ClinVar variation 431142 (VCV000431142.3), dbSNP rs1135401812, ClinGen allele CA645372630.